The following is an entry in ClinVar:

NM_001323289.2(CDKL5):c.1030_1031insGAC (p.Lys344delinsArgGln)

Gene: CDKL5 (cyclin dependent kinase like 5; plus strand). Cytogenetic location: Xp22.13.
Variant type: Insertion.
Coding change: c.1030_1031insGAC on transcript NM_001323289.2 (MANE Select); coding-DNA positions 1030 to 1031, GAC inserted.
Protein change: p.Lys344delinsArgGln.
Molecular consequence: inframe indel.
Genome position: GRCh38 VCF-style: chrX-18603954-A-AGAC. GRCh37 (hg19) VCF-style: chrX-18622074-A-AGAC.
Other names: NM_003159.3:c.1030_1031insGAC; c.1030_1031insGAC, p.Lys344delinsArgGln (NM_001037343.2, NM_003159.3).
Identifiers: ClinVar variation 3344007 (VCV003344007.1).

ClinVar aggregate classification (germline): Uncertain significance (1 of 4 stars; one submission).

Conditions:
CDKL5 disorder. Identifiers: MedGen CN296942, MONDO:0100039.

Submission:

Centre for Population Genomics, CPG
Classification: Uncertain significance for CDKL5 disorder. Last evaluated: 2024-09-20. Review status: criteria provided, single submitter. Criteria: McKnight et al. (Hum Mutat. 2022). Collection method: curation. Allele origin: germline. Inheritance: X-linked inheritance.
Comment: This variant has been collected from RettBASE and curated to current modified ACMG/AMP criteria. Based on the classification scheme defined by the ClinGen Rett/Angelman-like Expert Panel for Rett/AS-like Disorders Specifications to the ACMG/AMP Variant Interpretation Guidelines VCEP 3.0, this variant is classified as a variant of uncertain significance. At least the following criteria are met: This variant is absent from gnomAD v4 (PM2_Supporting). Protein length changes of < 3 amino acid residues due to in-frame deletions/insertions in a non-repeat region (PM4_Supporting).